The following is an entry in ClinVar:

NM_005585.5(SMAD6):c.1141C>G (p.Arg381Gly)

Gene: SMAD6 (SMAD family member 6; plus strand). Cytogenetic location: 15q22.31.
Variant type: single nucleotide variant.
Coding change: c.1141C>G on transcript NM_005585.5 (MANE Select); coding-DNA position 1141, C replaced by G.
Protein change: p.Arg381Gly; replaces arginine 381 with glycine.
Molecular consequence: missense variant. On other transcripts: non-coding transcript variant (1).
Genome position (GRCh38, 1-based): chr15:66,781,185, C>G. VCF-style: chr15-66781185-C-G. GRCh37 (hg19) VCF-style: chr15-67073523-C-G.
Other names: short protein forms R381G.
Identifiers: ClinVar variation 1721849 (VCV001721849.5), dbSNP rs2541897684, ClinGen allele CA393201947.

ClinVar aggregate classification (germline): Uncertain significance (1 of 4 stars; one submission).

Conditions:
Aortic valve disease 2 (AOVD2). Identifiers: MedGen C3542024, MONDO:0013902, OMIM 614823.

Submission:

Labcorp Genetics (formerly Invitae), Labcorp
Classification: Uncertain significance for Aortic valve disease 2. Last evaluated: 2023-05-09. Review status: criteria provided, single submitter. Criteria: Invitae Variant Classification Sherloc (09022015). Collection method: clinical testing. Allele origin: germline.
Comment: This variant is not present in population databases (gnomAD no frequency). In summary, the available evidence is currently insufficient to determine the role of this variant in disease. Therefore, it has been classified as a Variant of Uncertain Significance. Advanced modeling of protein sequence and biophysical properties (such as structural, functional, and spatial information, amino acid conservation, physicochemical variation, residue mobility, and thermodynamic stability) performed at Invitae indicates that this missense variant is not expected to disrupt SMAD6 protein function. ClinVar contains an entry for this variant (Variation ID: 1721849). This variant has not been reported in the literature in individuals affected with SMAD6-related conditions. This sequence change replaces arginine, which is basic and polar, with glycine, which is neutral and non-polar, at codon 381 of the SMAD6 protein (p.Arg381Gly).